The following is an entry in ClinVar:

ClinVar aggregate classification (germline): Pathogenic (1 of 4 stars; one submission).

Conditions:
Immunodeficiency 104. Also called: Severe combined immunodeficiency, autosomal recessive, T cell-negative, B cell-positive, NK cell-positive; Severe Combined Immune Deficiency, Autosomal Recessive, TCell -Negative, B Cell-Positive, NK Cell-Positive, IL7R-Related; SCID, AUTOSOMAL RECESSIVE, T CELL-NEGATIVE, B CELL-POSITIVE, NK CELL-POSITIVE; IMMUNODEFICIENCY 104, SEVERE COMBINED. Identifiers: MedGen C5676890, MONDO:0012163, OMIM 608971.

Submission:

Labcorp Genetics (formerly Invitae), Labcorp
Classification: Pathogenic for Immunodeficiency 104. Last evaluated: 2023-04-09. Review status: criteria provided, single submitter. Criteria: Invitae Variant Classification Sherloc (09022015). Collection method: clinical testing. Allele origin: unknown.
Comment: This variant is a gross deletion of the genomic region encompassing exon(s) 2 of the IL7R gene. This deletion is out-of-frame, and is expected to create a premature termination codon and result in an absent or disrupted protein product. Loss-of-function variants in IL7R are known to be pathogenic (PMID: 21664875, 26123418). This variant has not been reported in the literature in individuals affected with IL7R-related conditions. For these reasons, this variant has been classified as Pathogenic.

Literature cited by the submitters: PubMed 21664875; PubMed 26123418.

NC_000005.9:g.(?_35860934)_(35861112_?)del

Gene: IL7R (interleukin 7 receptor; plus strand). Cytogenetic location: 5p13.2.
Variant type: Deletion.
Identifiers: ClinVar variation 3246329 (VCV003246329.1).